The following is an entry in ClinVar:

NM_024675.4(PALB2):c.2091C>A (p.Gly697=)

Gene: PALB2 (partner and localizer of BRCA2; minus strand). Cytogenetic location: 16p12.2.
Variant type: single nucleotide variant.
Coding change: c.2091C>A on transcript NM_024675.4 (MANE Select); coding-DNA position 2091, C replaced by A.
Protein change: p.Gly697=; no amino-acid change (glycine 697 retained).
Molecular consequence: synonymous variant.
Genome position (GRCh38, 1-based): chr16:23,630,063, G>T on the plus strand (C>A on the coding strand, the complement: PALB2 is on the minus strand). VCF-style: chr16-23630063-G-T. GRCh37 (hg19) VCF-style: chr16-23641384-G-T.
Identifiers: ClinVar variation 225862 (VCV000225862.13), dbSNP rs875989797, ClinGen allele CA10576110.
Genomic context (GRCh38, chr16:23,630,063, plus strand): 5'-GTCATTATCATCAGGCGCAACCGTATTTAAAGGAGTATAAAGTAATATGGATGAAGAAAG[G>T]CCCGTCTTTGTATGCTGGCTTTGCGAGTTTGGCCTTTTGGGATGTGATTTTCCTGGTAGA-3'
Protein context (NP_078951.2, residues 687-707): PNSQSQHTKT[Gly697=]LSSSILLYTP

ClinVar aggregate classification (germline): Likely benign. Review status: criteria provided, multiple submitters, no conflicts (2 of 4 stars). 4 submissions from 4 submitters: Likely benign (4). Last evaluated 2025-09-14.

Conditions:
Hereditary cancer-predisposing syndrome. Also called: Tumor predisposition; Hereditary neoplastic syndrome; Neoplastic Syndromes, Hereditary; Hereditary Cancer Syndrome. Identifiers: Orphanet 140162, MedGen C0027672, MeSH D009386, MONDO:0015356.
Familial cancer of breast. Also called: hereditary breast carcinoma; BREAST CANCER, FAMILIAL; Hereditary breast cancer. Identifiers: Orphanet 227535, MedGen C0346153, MONDO:0016419, OMIM 114480. Disease mechanism: loss of function.

Allele frequency attached by ClinVar (database versions not stated): gnomAD exomes below 0.00001.
gnomAD v4.1: 1 of 1,614,132 alleles (0.000062%); highest among the groups gnomAD compares: Non-Finnish European, 0.000085%; no homozygotes.

Submissions (4):

Labcorp Genetics (formerly Invitae), Labcorp
Classification: Likely benign for Familial cancer of breast. Last evaluated: 2025-09-14. Review status: criteria provided, single submitter. Criteria: Invitae Variant Classification Sherloc (09022015). Collection method: clinical testing. Allele origin: germline.

Ambry Genetics
Classification: Likely benign for Hereditary cancer-predisposing syndrome. Last evaluated: 2025-05-11. Review status: criteria provided, single submitter. Criteria: Ambry Variant Classification Scheme 2023. Collection method: clinical testing. Allele origin: germline.

GeneDx
Classification: Likely benign. Last evaluated: 2016-12-15. Review status: criteria provided, single submitter. Criteria: GeneDx Variant Classification (06012015). Collection method: clinical testing. Allele origin: germline. Affected: yes.
Comment: This variant is considered likely benign or benign based on one or more of the following criteria: it is a conservative change, it occurs at a poorly conserved position in the protein, it is predicted to be benign by multiple in silico algorithms, and/or has population frequency not consistent with disease.

Cancer Genetics Laboratory, Peter MacCallum Cancer Centre
Classification: Likely benign for Familial cancer of breast. Last evaluated: 2015-06-01. Review status: criteria provided, single submitter. Criteria: Thompson et al. (Breast Cancer Res. 2015). Collection method: case-control. Allele origin: germline. Affected: no. Observed: 1 variant allele, 1 heterozygote.